The following is an entry in ClinVar:

ClinVar aggregate classification (germline): Likely benign. Review status: criteria provided, single submitter (1 of 4 stars). 2 submissions from 2 submitters: Likely benign (1). 1 of the submissions does not count toward it. Last evaluated 2025-04-06.

Conditions:
DOCK7-related disorder. Also called: DOCK7-related condition.
Developmental and epileptic encephalopathy, 23 (DEE23). Also called: Epileptic encephalopathy, early infantile, 23. Identifiers: Orphanet 411986, MedGen C4014492, MONDO:0014371, OMIM 615859.

Allele frequency attached by ClinVar (database versions not stated): gnomAD 0.00001 and 0.00002; gnomAD exomes 0.00001 and 0.00005; TOPMed 0.00001; ExAC 0.00004; 1000 Genomes Project 30x 0.00016; 1000 Genomes Project 0.00020.
gnomAD v4.1: 30 of 1,613,798 alleles (0.0019%); highest among the groups gnomAD compares: East Asian, 0.045%; no homozygotes.

Submissions (2):

Labcorp Genetics (formerly Invitae), Labcorp
Classification: Likely benign for Developmental and epileptic encephalopathy, 23. Last evaluated: 2025-04-06. Review status: criteria provided, single submitter. Criteria: Invitae Variant Classification Sherloc (09022015). Collection method: clinical testing. Allele origin: germline.

PreventionGenetics, part of Exact Sciences
Classification: Likely benign for DOCK7-related condition. Last evaluated: 2019-03-20. Review status: no assertion criteria provided. Collection method: clinical testing. Allele origin: germline. Not counted in ClinVar's aggregate classification.
Comment: This variant is classified as likely benign based on ACMG/AMP sequence variant interpretation guidelines (Richards et al. 2015 PMID: 25741868, with internal and published modifications).

NM_001367561.1(DOCK7):c.2355G>A (p.Val785=)

Gene: DOCK7 (dedicator of cytokinesis 7; minus strand). Cytogenetic location: 1p31.3.
Variant type: single nucleotide variant.
Coding change: c.2355G>A on transcript NM_001367561.1 (MANE Select); coding-DNA position 2355, G replaced by A.
Protein change: p.Val785=; no amino-acid change (valine 785 retained).
Molecular consequence: synonymous variant.
Genome position (GRCh38, 1-based): chr1:62,559,065, C>T on the plus strand (G>A on the coding strand, the complement: DOCK7 is on the minus strand). VCF-style: chr1-62559065-C-T. GRCh37 (hg19) VCF-style: chr1-63024736-C-T.
Other names: c.2355G>A, p.Val785= (NM_001271999.2, NM_001272000.2, NM_001272001.2 and 2 more transcripts).
Identifiers: ClinVar variation 735193 (VCV000735193.10), dbSNP rs202200051, ClinGen allele CA886299.